The following is an entry in ClinVar:

ClinVar aggregate classification (germline): Uncertain significance (1 of 4 stars; one submission).

Conditions:
Inborn genetic diseases. Identifiers: MedGen C0950123, MeSH D030342.

Submission:

Ambry Genetics
Classification: Uncertain significance for Inborn genetic diseases. Last evaluated: 2026-05-17. Review status: criteria provided, single submitter. Criteria: Ambry Variant Classification Scheme 2023. Collection method: clinical testing. Allele origin: germline.
Comment: The p.A1482G variant (also known as c.4445C>G), located in coding exon 13 of the ASXL1 gene, results from a C to G substitution at nucleotide position 4445. The alanine at codon 1482 is replaced by glycine, an amino acid with similar properties. This amino acid position is conserved. In addition, this alteration is predicted to be tolerated by in silico analysis. Based on the available evidence, the clinical significance of this variant remains unclear.

NM_015338.6(ASXL1):c.4445C>G (p.Ala1482Gly)

Gene: ASXL1 (ASXL transcriptional regulator 1; plus strand). Cytogenetic location: 20q11.21.
Variant type: single nucleotide variant.
Coding change: c.4445C>G on transcript NM_015338.6 (MANE Select); coding-DNA position 4445, C replaced by G.
Protein change: p.Ala1482Gly; replaces alanine 1482 with glycine.
Molecular consequence: missense variant.
Genome position (GRCh38, 1-based): chr20:32,437,157, C>G. VCF-style: chr20-32437157-C-G. GRCh37 (hg19) VCF-style: chr20-31024960-C-G.
Other names: c.4262C>G, p.Ala1421Gly (NM_001363734.1); short protein forms A1421G, A1482G.
Identifiers: ClinVar variation 4864668 (VCV004864668.1).